The following is an entry in ClinVar:

NM_001267550.2(TTN):c.73346_73347del (p.Phe24449fs)

Genes: TTN-AS1 (TTN antisense RNA 1; plus strand), TTN (titin; minus strand). Cytogenetic location: 2q31.2.
Variant type: Deletion.
Coding change: c.73346_73347del on transcript NM_001267550.2 (MANE Select); coding-DNA positions 73346 to 73347, 2 bases deleted (TT; older notation c.73346_73347delTT).
Protein change: p.Phe24449fs; shifts the reading frame from phenylalanine 24449.
Molecular consequence: frameshift variant.
Genome position (GRCh38, 1-based): chr2:178,572,785-178,572,786, AA deleted on the plus strand (TT on the coding strand, the reverse complement: TTN is on the minus strand); deleting any 2 consecutive bases within chr2:178,572,785-178,572,789 gives the same sequence; the c. name uses the placement nearest the transcript's 3' end. VCF-style (leftmost placement, unchanged base first): chr2-178572784-CAA-C. GRCh37 (hg19) VCF-style: chr2-179437511-CAA-C.
Other names: c.68423_68424del, p.Phe22808fs (NM_001256850.1); c.46151_46152del, p.Phe15384fs (NM_003319.4); c.65642_65643del, p.Phe21881fs (NM_133378.4); c.46526_46527del, p.Phe15509fs (NM_133432.3); c.46727_46728del, p.Phe15576fs (NM_133437.4); c.46151_46152delTT (NM_003319.4); short protein forms F22808fs, F15509fs, F15576fs, F21881fs, F15384fs, F24449fs.
Identifiers: ClinVar variation 1466922 (VCV001466922.7), dbSNP rs2154170352, ClinGen allele CA2573134160.
Genomic context (GRCh38, chr2:178,572,784, plus strand): 5'-AAGATTCTCCATGGTCCCGGGCCCACTTCACCTCAGGTGCAGGCCTTCCTTTGATGGGAA[CAA>C]AAAGTCTCAGGGTGCAGCAGGCCCTTATAGTAACAACTTTGCGCAGGTCAGCATCCAGTT-3'

ClinVar aggregate classification (germline): Likely pathogenic. Review status: criteria provided, multiple submitters, no conflicts (2 of 4 stars). 2 submissions from 2 submitters: Likely pathogenic (2). Last evaluated 2024-05-28.

Conditions:
Cardiovascular phenotype. Identifiers: MedGen CN230736.
Dilated cardiomyopathy 1G (CMD1G). Identifiers: Orphanet 154, MedGen C1858763, MONDO:0011400, OMIM 604145.
Autosomal recessive limb-girdle muscular dystrophy type 2J (LGMDR10). Also called: Limb-girdle muscular dystrophy, type 2J; MUSCULAR DYSTROPHY, LIMB-GIRDLE, AUTOSOMAL RECESSIVE 10. Identifiers: Orphanet 140922, MedGen C1837342, MONDO:0012127, OMIM 608807.

Submissions (2):

Ambry Genetics
Classification: Likely pathogenic for Cardiovascular phenotype. Last evaluated: 2024-05-28. Review status: criteria provided, single submitter. Criteria: Ambry Variant Classification Scheme 2023. Collection method: clinical testing. Allele origin: germline.
Comment: The c.46151_46152delTT variant, located in coding exon 153 of the TTN gene, results from a deletion of two nucleotides at nucleotide positions 46151 to 46152, causing a translational frameshift with a predicted alternate stop codon (p.F15384Cfs*10). This exon is located in the A-band region of the N2-B isoform of the titin protein and is constitutively expressed in TTN transcripts (percent spliced in or PSI 100%). This variant is considered to be rare based on population cohorts in the Genome Aggregation Database (gnomAD). This alteration is expected to result in loss of function by premature protein truncation or nonsense-mediated mRNA decay. While truncating variants in TTN are present in 1-3% of the general population, truncating variants in the A-band are the most common cause of dilated cardiomyopathy (DCM) (Herman DS et al. N. Engl. J. Med., 2012 Feb;366:619-28; Roberts AM et al. Sci Transl Med, 2015 Jan;7:270ra6). TTN truncating variants encoded in constitutive exons (PSI >90%) have been found to be significantly associated with DCM regardless of their position in titin (Schafer S et al. Nat. Genet., 2017 01;49:46-53). Based on the majority of available evidence to date, this variant is likely to be pathogenic.

Labcorp Genetics (formerly Invitae), Labcorp
Classification: Likely pathogenic for Dilated cardiomyopathy 1G; Autosomal recessive limb-girdle muscular dystrophy type 2J. Last evaluated: 2023-06-17. Review status: criteria provided, single submitter. Criteria: Invitae Variant Classification Sherloc (09022015). Collection method: clinical testing. Allele origin: germline.
Comment: In summary, the currently available evidence indicates that the variant is pathogenic, but additional data are needed to prove that conclusively. Therefore, this variant has been classified as Likely Pathogenic. This variant is located in the A band of TTN (PMID: 25589632). Truncating variants in this region are significantly overrepresented in patients affected with dilated cardiomyopathy (PMID: 25589632). Truncating variants in this region have also been reported in individuals affected with autosomal recessive centronuclear myopathy (PMID: 23975875). ClinVar contains an entry for this variant (Variation ID: 1466922). This variant has not been reported in the literature in individuals affected with TTN-related conditions. This variant is not present in population databases (gnomAD no frequency). This sequence change creates a premature translational stop signal (p.Phe24449Cysfs*10) in the TTN gene. While this is not anticipated to result in nonsense mediated decay, it is expected to create a truncated TTN protein.

Literature cited by the submitters: PubMed 25589632 (cited by Labcorp Genetics (formerly Invitae), Labcorp); PubMed 23975875 (cited by Labcorp Genetics (formerly Invitae), Labcorp).